The following is an entry in ClinVar:

NM_005839.4(SRRM1):c.163A>T (p.Arg55Ter)

Gene: SRRM1 (serine and arginine repetitive matrix 1; plus strand). Cytogenetic location: 1p36.11.
Variant type: single nucleotide variant.
Coding change: c.163A>T on transcript NM_005839.4 (MANE Select); coding-DNA position 163, A replaced by T.
Protein change: p.Arg55Ter; replaces arginine 55 with a stop codon.
Molecular consequence: nonsense. On other transcripts: 5 prime UTR variant (20), non-coding transcript variant (13).
Genome position (GRCh38, 1-based): chr1:24,646,718, A>T. VCF-style: chr1-24646718-A-T. GRCh37 (hg19) VCF-style: chr1-24973209-A-T.
Other names: c.163A>T, p.Arg55Ter (NM_001303448.2, NM_001366569.1, NM_001366575.1 and 8 more transcripts); c.46A>T, p.Arg16Ter (NM_001303449.1, NM_001366596.1, NM_001366597.1); c.-1867A>T (NM_001366565.1, NM_001366567.1, NM_001366570.1 and 8 more transcripts); c.-217A>T (NM_001366566.1, NM_001366578.1, NM_001366599.1 and 1 more transcripts); c.-2156A>T (NM_001366568.1, NM_001366573.1, NM_001366584.1 and 2 more transcripts); short protein forms R16*, R55*.
Identifiers: ClinVar variation 4075399 (VCV004075399.1).

ClinVar aggregate classification (germline): Uncertain significance (0 of 4 stars; one submission).

Conditions:
Neurodevelopmental disorder. Identifiers: MedGen C1535926, MeSH D065886, MONDO:0700092.

Submission:

Department of Human Genetics, University Hospital Bern, Inselspital
Classification: Uncertain significance for neurodevelopmental disorder. Last evaluated: 2025-07-21. Review status: no assertion criteria provided. Collection method: clinical testing. Allele origin: unknown. Affected: yes.
Comment: truncating variant (inheritance unclear), gene is still a candidate gene, gene predicted to be intolerant to loss-of-function variants, variant not in population databases